The following is an entry in ClinVar:

NM_000512.5(GALNS):c.43C>A (p.Leu15Met)

Genes: TRAPPC2L (trafficking protein particle complex subunit 2L; plus strand), GALNS (galactosamine (N-acetyl)-6-sulfatase; minus strand), LOC130059762 (ATAC-STARR-seq lymphoblastoid silent region 7883; plus strand). Cytogenetic location: 16q24.3.
Variant type: single nucleotide variant.
Coding change: c.43C>A on transcript NM_000512.5 (MANE Select); coding-DNA position 43, C replaced by A.
Protein change: p.Leu15Met; replaces leucine 15 with methionine.
Molecular consequence: missense variant. On other transcripts: 5 prime UTR variant (2).
Genome position (GRCh38, 1-based): chr16:88,856,835, G>T on the plus strand (C>A on the coding strand, the complement: GALNS is on the minus strand). VCF-style: chr16-88856835-G-T. GRCh37 (hg19) VCF-style: chr16-88923243-G-T.
Other names: c.-389C>A (NM_001323543.2); c.-110C>A (NM_001323544.2); short protein forms L15M.
Identifiers: ClinVar variation 1048250 (VCV001048250.3), dbSNP rs866745731, ClinGen allele CA286411210.
Genomic context (GRCh38, chr16:88,856,835, plus strand): 5'-GCAGGATGTTGGGGGGCTGCGGGGCGCCCGAGGCCCCCATCCCCGCGGCGCTGAGCACCA[G>T]CAACAGCTGCCACCACCTCGTCGCCGCGACAACCGCCGCCATGGCAACCACGGGAGCCGC-3'
Protein context (NP_000503.1, residues 5-25): VAATRWWQLL[Leu15Met]VLSAAGMGAS

ClinVar aggregate classification (germline): Uncertain significance (1 of 4 stars; one submission).

Conditions:
Mucopolysaccharidosis, MPS-IV-A (MPS4A). Also called: Mucopolysaccharidosis type IV A; Mucopolysaccharidosis Type IVA; Morquio syndrome A, mild; MORQUIO SYNDROME A; MPS IVA; mucopolysaccharidosis type 4A. Identifiers: Orphanet 309297, Orphanet 582, MedGen C0086651, MONDO:0009659, OMIM 253000.

Submission:

Laboratory of Diagnosis and Therapy of Lysosomal Disorders, University of Padova
Classification: Uncertain significance for Mucopolysaccharidosis, MPS-IV-A. Last evaluated: 2021-02-01. Review status: criteria provided, single submitter. Criteria: ACMG Guidelines, 2015. Collection method: curation. Allele origin: germline. Affected: yes.
Comment: Absent from gnomAD v2.1.1 (PM2_moderate)

Literature cited by the submitters: PubMed 16287098; PubMed 34387910.